The following is an entry in ClinVar:

NM_006904.7(PRKDC):c.439T>C (p.Phe147Leu)

Gene: PRKDC (protein kinase, DNA-activated, catalytic subunit; minus strand). Cytogenetic location: 8q11.21.
Variant type: single nucleotide variant.
Coding change: c.439T>C on transcript NM_006904.7 (MANE Select); coding-DNA position 439, T replaced by C.
Protein change: p.Phe147Leu; replaces phenylalanine 147 with leucine.
Molecular consequence: missense variant.
Genome position (GRCh38, 1-based): chr8:47,954,407, A>G on the plus strand (T>C on the coding strand, the complement: PRKDC is on the minus strand). VCF-style: chr8-47954407-A-G. GRCh37 (hg19) VCF-style: chr8-48866967-A-G.
Other names: c.439T>C, p.Phe147Leu (NM_001081640.2); short protein forms F147L.
Identifiers: ClinVar variation 1740293 (VCV001740293.2), dbSNP rs2551881917, ClinGen allele CA371139152.

ClinVar aggregate classification (germline): Uncertain significance (1 of 4 stars; one submission).

Submission:

Ambry Genetics
Classification: Uncertain significance. Last evaluated: 2022-02-18. Review status: criteria provided, single submitter. Criteria: Ambry Variant Classification Scheme 2023. Collection method: clinical testing. Allele origin: germline.
Comment: The p.F147L variant (also known as c.439T>C), located in coding exon 5 of the PRKDC gene, results from a T to C substitution at nucleotide position 439. The phenylalanine at codon 147 is replaced by leucine, an amino acid with highly similar properties. This amino acid position is conserved. In addition, this alteration is predicted to be tolerated by in silico analysis. Since supporting evidence is limited at this time, the clinical significance of this alteration remains unclear.